The following is an entry in ClinVar:

ClinVar aggregate classification (germline): Uncertain significance. Review status: criteria provided, multiple submitters, no conflicts (2 of 4 stars). 2 submissions from 2 submitters: Uncertain significance (2). Last evaluated 2025-10-13.

Conditions:
Inborn genetic diseases. Identifiers: MedGen C0950123, MeSH D030342.
FANCM-related disorder. Also called: FANCM-related condition.

gnomAD v4.1: 1 of 1,611,544 alleles (0.000062%); highest among the groups gnomAD compares: African/African-American, 0.0013%; no homozygotes.

Submissions (2):

PreventionGenetics, part of Exact Sciences
Classification: Uncertain significance for FANCM-related condition. Last evaluated: 2025-10-13. Review status: criteria provided, single submitter. Criteria: ACMG Guidelines, 2015. Collection method: clinical testing. Allele origin: germline.
Comment: The FANCM c.4336G>T variant is predicted to result in the amino acid substitution p.Val1446Phe. To our knowledge, this variant has not been reported in the literature or in a large population database (gnomAD), indicating this variant is rare. At this time, the clinical significance of this variant is uncertain due to the absence of conclusive functional and genetic evidence.

Ambry Genetics
Classification: Uncertain significance for Inborn genetic diseases. Last evaluated: 2025-04-28. Review status: criteria provided, single submitter. Criteria: Ambry Variant Classification Scheme 2023. Collection method: clinical testing. Allele origin: germline.
Comment: The p.V1446F variant (also known as c.4336G>T), located in coding exon 16 of the FANCM gene, results from a G to T substitution at nucleotide position 4336. The valine at codon 1446 is replaced by phenylalanine, an amino acid with highly similar properties. This amino acid position is conserved. In addition, this alteration is predicted to be tolerated by in silico analysis. Based on the available evidence, the clinical significance of this variant remains unclear.

NM_020937.4(FANCM):c.4336G>T (p.Val1446Phe)

Gene: FANCM (FA complementation group M; plus strand). Cytogenetic location: 14q21.2.
Variant type: single nucleotide variant.
Coding change: c.4336G>T on transcript NM_020937.4 (MANE Select); coding-DNA position 4336, G replaced by T.
Protein change: p.Val1446Phe; replaces valine 1446 with phenylalanine.
Molecular consequence: missense variant.
Genome position (GRCh38, 1-based): chr14:45,181,655, G>T. VCF-style: chr14-45181655-G-T. GRCh37 (hg19) VCF-style: chr14-45650858-G-T.
Other names: c.4336G>T (NM_020937.3); c.4258G>T, p.Val1420Phe (NM_001308133.2); short protein forms V1446F, V1420F.
Identifiers: ClinVar variation 4022729 (VCV004022729.2).